The following is an entry in ClinVar:

ClinVar aggregate classification (germline): Uncertain significance (1 of 4 stars; one submission).

Submission:

Labcorp Genetics (formerly Invitae), Labcorp
Classification: Uncertain significance. Last evaluated: 2022-09-22. Review status: criteria provided, single submitter. Criteria: Invitae Variant Classification Sherloc (09022015). Collection method: clinical testing. Allele origin: germline.
Comment: This sequence change replaces isoleucine, which is neutral and non-polar, with threonine, which is neutral and polar, at codon 59 of the TEAD1 protein (p.Ile59Thr). This variant is not present in population databases (gnomAD no frequency). This variant has not been reported in the literature in individuals affected with TEAD1-related conditions. Algorithms developed to predict the effect of missense changes on protein structure and function are either unavailable or do not agree on the potential impact of this missense change (SIFT: "Deleterious"; PolyPhen-2: "Probably Damaging"; Align-GVGD: "Class C0"). In summary, the available evidence is currently insufficient to determine the role of this variant in disease. Therefore, it has been classified as a Variant of Uncertain Significance.

NM_021961.6(TEAD1):c.176T>C (p.Ile59Thr)

Gene: TEAD1 (TEA domain transcription factor 1; plus strand). Cytogenetic location: 11p15.3.
Variant type: single nucleotide variant.
Coding change: c.176T>C on transcript NM_021961.6 (MANE Select); coding-DNA position 176, T replaced by C.
Protein change: p.Ile59Thr; replaces isoleucine 59 with threonine.
Molecular consequence: missense variant.
Genome position (GRCh38, 1-based): chr11:12,764,408, T>C. VCF-style: chr11-12764408-T-C. GRCh37 (hg19) VCF-style: chr11-12785955-T-C.
Other names: short protein forms I59T.
Identifiers: ClinVar variation 1720042 (VCV001720042.5), dbSNP rs2494304016, ClinGen allele CA379855791.